The following is an entry in ClinVar:

ClinVar aggregate classification (germline): Benign (0 of 4 stars; one submission).

Conditions:
P2RX1-related disorder. Also called: P2RX1-related condition.

Allele frequency attached by ClinVar (database versions not stated): ExAC 0.00067; 1000 Genomes Project 30x 0.00141; 1000 Genomes Project 0.00160.
gnomAD v4.1: 355 of 1,613,984 alleles (0.022%); highest among the groups gnomAD compares: East Asian, 0.61%; 2 homozygotes.

Submission:

PreventionGenetics, part of Exact Sciences
Classification: Benign for P2RX1-related condition. Last evaluated: 2019-07-15. Review status: no assertion criteria provided. Collection method: clinical testing. Allele origin: germline.
Comment: This variant is classified as benign based on ACMG/AMP sequence variant interpretation guidelines (Richards et al. 2015 PMID: 25741868, with internal and published modifications).

NM_002558.4(P2RX1):c.1005C>T (p.Ile335=)

Gene: P2RX1 (purinergic receptor P2X 1; minus strand). Cytogenetic location: 17p13.2.
Variant type: single nucleotide variant.
Coding change: c.1005C>T on transcript NM_002558.4 (MANE Select); coding-DNA position 1005, C replaced by T.
Protein change: p.Ile335=; no amino-acid change (isoleucine 335 retained).
Molecular consequence: synonymous variant.
Genome position (GRCh38, 1-based): chr17:3,898,511, G>A on the plus strand (C>T on the coding strand, the complement: P2RX1 is on the minus strand). VCF-style: chr17-3898511-G-A. GRCh37 (hg19) VCF-style: chr17-3801805-G-A.
Identifiers: ClinVar variation 3050468 (VCV003050468.2), dbSNP rs140686678, ClinGen allele CA8296053.